The following is an entry in ClinVar:

NM_000138.5(FBN1):c.5512G>C (p.Gly1838Arg)

Gene: FBN1 (fibrillin 1; minus strand). Cytogenetic location: 15q21.1.
Variant type: single nucleotide variant.
Coding change: c.5512G>C on transcript NM_000138.5 (MANE Select); coding-DNA position 5512, G replaced by C.
Protein change: p.Gly1838Arg; replaces glycine 1838 with arginine.
Molecular consequence: missense variant.
Genome position (GRCh38, 1-based): chr15:48,452,595, C>G on the plus strand (G>C on the coding strand, the complement: FBN1 is on the minus strand). VCF-style: chr15-48452595-C-G. GRCh37 (hg19) VCF-style: chr15-48744792-C-G.
Other names: short protein forms G1838R.
Identifiers: ClinVar variation 1496102 (VCV001496102.6), dbSNP rs397515823, ClinGen allele CA392344046.

ClinVar aggregate classification (germline): Pathogenic (1 of 4 stars; one submission).

Conditions:
Marfan syndrome (MFS). Also called: MARFAN SYNDROME, TYPE I; Marfan syndrome type 1; Marfan's syndrome; Marfan syndrome, classic; FBN1-Related Marfan Syndrome. Identifiers: Orphanet 284963, Orphanet 558, MedGen C0024796, MONDO:0007947, OMIM 154700.
Familial thoracic aortic aneurysm and aortic dissection (TAAD). Also called: Thoracic aortic aneurysms and dissections. Identifiers: Orphanet 91387, MedGen C4707243, MONDO:0019625.

Submission:

Labcorp Genetics (formerly Invitae), Labcorp
Classification: Pathogenic for Marfan syndrome; Familial thoracic aortic aneurysm and aortic dissection. Last evaluated: 2025-05-27. Review status: criteria provided, single submitter. Criteria: Invitae Variant Classification Sherloc (09022015). Collection method: clinical testing. Allele origin: germline.
Comment: This sequence change replaces glycine, which is neutral and non-polar, with arginine, which is basic and polar, at codon 1838 of the FBN1 protein (p.Gly1838Arg). This variant is not present in population databases (gnomAD no frequency). This missense change has been observed in individuals with clinical features of Marfan syndrome and/or thoracic aortic aneurysm and dissection (internal data). ClinVar contains an entry for this variant (Variation ID: 1496102). Invitae Evidence Modeling of protein sequence and biophysical properties (such as structural, functional, and spatial information, amino acid conservation, physicochemical variation, residue mobility, and thermodynamic stability) indicates that this missense variant is expected to disrupt FBN1 protein function with a positive predictive value of 95%. This variant disrupts the p.Gly1838 amino acid residue in FBN1. Other variant(s) that disrupt this residue have been determined to be pathogenic (internal data). This suggests that this residue is clinically significant, and that variants that disrupt this residue are likely to be disease-causing. For these reasons, this variant has been classified as Pathogenic.